The following is an entry in ClinVar:

NM_017841.4(SDHAF2):c.499T>C (p.Ter167Arg)

Gene: SDHAF2 (succinate dehydrogenase complex assembly factor 2; plus strand). Cytogenetic location: 11q12.2.
Variant type: single nucleotide variant.
Coding change: c.499T>C on transcript NM_017841.4 (MANE Select); coding-DNA position 499, T replaced by C.
Protein change: p.Ter167Arg.
Molecular consequence: stop lost.
Genome position (GRCh38, 1-based): chr11:61,446,069, T>C. VCF-style: chr11-61446069-T-C. GRCh37 (hg19) VCF-style: chr11-61213541-T-C.
Identifiers: ClinVar variation 4547228 (VCV004547228.1).

ClinVar aggregate classification (germline): Uncertain significance (1 of 4 stars; one submission).

Conditions:
Hereditary cancer-predisposing syndrome. Also called: Tumor predisposition; Hereditary Cancer Syndrome; Hereditary neoplastic syndrome; Neoplastic Syndromes, Hereditary. Identifiers: Orphanet 140162, MedGen C0027672, MeSH D009386, MONDO:0015356.

Submission:

Ambry Genetics
Classification: Uncertain significance for Hereditary cancer-predisposing syndrome. Last evaluated: 2025-11-25. Review status: criteria provided, single submitter. Criteria: Ambry Variant Classification Scheme 2023. Collection method: clinical testing. Allele origin: germline.
Comment: The p.*167Rext*22 variant (also known as c.499T>C), located in coding exon 4 of the SDHAF2 gene, results from a T to C substitution at nucleotide position 499, which is the last nucleotide of the SDHAF2 gene. This alteration disrupts the stop codon and is predicted to preserve the native sequence while resulting in the elongation of the protein by 22 amino acids. The exact functional effect of the additional amino acids is unknown. Based on the available evidence, the clinical significance of this variant remains unclear.